The following is an entry in ClinVar:

NM_015570.4(AUTS2):c.3518C>T (p.Ala1173Val)

Gene: AUTS2 (activator of transcription and developmental regulator AUTS2; plus strand). Cytogenetic location: 7q11.22.
Variant type: single nucleotide variant.
Coding change: c.3518C>T on transcript NM_015570.4 (MANE Select); coding-DNA position 3518, C replaced by T.
Protein change: p.Ala1173Val; replaces alanine 1173 with valine.
Molecular consequence: missense variant.
Genome position (GRCh38, 1-based): chr7:70,790,734, C>T. VCF-style: chr7-70790734-C-T. GRCh37 (hg19) VCF-style: chr7-70255720-C-T.
Other names: c.3446C>T, p.Ala1149Val (NM_001127231.3); c.3518C>T (NM_015570.2); short protein forms A1149V, A1173V.
Identifiers: ClinVar variation 2431782 (VCV002431782.2), dbSNP rs2484998592, ClinGen allele CA367666369.

ClinVar aggregate classification (germline): Uncertain significance. Review status: criteria provided, multiple submitters, no conflicts (2 of 4 stars). 2 submissions from 2 submitters: Uncertain significance (2). Last evaluated 2024-01-31.

Conditions:
Autism spectrum disorder due to AUTS2 deficiency (MRD26). Also called: INTELLECTUAL DEVELOPMENTAL DISORDER, AUTOSOMAL DOMINANT 26. Identifiers: Orphanet 352490, MedGen C4014435, MONDO:0014361, OMIM 615834.

Submissions (2):

GeneDx
Classification: Uncertain significance. Last evaluated: 2024-01-31. Review status: criteria provided, single submitter. Criteria: GeneDx Variant Classification Process June 2021. Collection method: clinical testing. Allele origin: germline. Affected: yes.
Comment: Not observed at significant frequency in large population cohorts (gnomAD); In silico analysis supports that this missense variant does not alter protein structure/function; Has not been previously published as pathogenic or benign to our knowledge

Laboratorio de Genetica e Diagnostico Molecular, Hospital Israelita Albert Einstein
Classification: Uncertain significance for Autism spectrum disorder due to AUTS2 deficiency. Last evaluated: 2022-10-05. Review status: criteria provided, single submitter. Criteria: ACMG Guidelines, 2015. Collection method: clinical testing. Allele origin: germline. Affected: yes. Observed: 1 variant allele.
Comment: ACMG classification criteria: PM2 moderated, BP4 supporting